The following is an entry in ClinVar:

NM_007254.4(PNKP):c.881C>T (p.Pro294Leu)

Gene: PNKP (polynucleotide kinase 3'-phosphatase; minus strand). Cytogenetic location: 19q13.33.
Variant type: single nucleotide variant.
Coding change: c.881C>T on transcript NM_007254.4 (MANE Select); coding-DNA position 881, C replaced by T.
Protein change: p.Pro294Leu; replaces proline 294 with leucine.
Molecular consequence: missense variant.
Genome position (GRCh38, 1-based): chr19:49,862,593, G>A on the plus strand (C>T on the coding strand, the complement: PNKP is on the minus strand). VCF-style: chr19-49862593-G-A. GRCh37 (hg19) VCF-style: chr19-50365850-G-A.
Other names: p.Pro294Leu; short protein forms P294L.
Identifiers: ClinVar variation 3215900 (VCV003215900.2), dbSNP rs1025128338, ClinGen allele CA309494609.

ClinVar aggregate classification (germline): Uncertain significance. Review status: criteria provided, multiple submitters, no conflicts (2 of 4 stars). 2 submissions from 2 submitters: Uncertain significance (2). Last evaluated 2025-05-08.

Conditions:
Inborn genetic diseases. Identifiers: MedGen C0950123, MeSH D030342.

Allele frequency attached by ClinVar (database versions not stated): gnomAD 0.00001; TOPMed below 0.00001.

Submissions (2):

Mayo Clinic Laboratories, Mayo Clinic
Classification: Uncertain significance. Last evaluated: 2025-05-08. Review status: criteria provided, single submitter. Criteria: ACMG Guidelines, 2015. Collection method: clinical testing. Allele origin: germline. Observed: 1 variant allele.
Comment: BP4, PM2_supporting

Ambry Genetics
Classification: Uncertain significance for Inborn genetic diseases. Last evaluated: 2023-12-14. Review status: criteria provided, single submitter. Criteria: Ambry Variant Classification Scheme 2023. Collection method: clinical testing. Allele origin: germline.